The following is an entry in ClinVar:

NM_014244.5(ADAMTS2):c.829T>C (p.Ser277Pro)

Gene: ADAMTS2 (ADAM metallopeptidase with thrombospondin type 1 motif 2; minus strand). Cytogenetic location: 5q35.3.
Variant type: single nucleotide variant.
Coding change: c.829T>C on transcript NM_014244.5 (MANE Select); coding-DNA position 829, T replaced by C.
Protein change: p.Ser277Pro; replaces serine 277 with proline.
Molecular consequence: missense variant.
Genome position (GRCh38, 1-based): chr5:179,207,575, A>G on the plus strand (T>C on the coding strand, the complement: ADAMTS2 is on the minus strand). VCF-style: chr5-179207575-A-G. GRCh37 (hg19) VCF-style: chr5-178634576-A-G.
Other names: c.829T>C, p.Ser277Pro (NM_021599.4); short protein forms S277P.
Identifiers: ClinVar variation 3895633 (VCV003895633.1).

ClinVar aggregate classification (germline): Uncertain significance (1 of 4 stars; one submission).

gnomAD v4.1: 4 of 1,613,486 alleles (0.00025%); highest among the groups gnomAD compares: Admixed American, 0.0017%; no homozygotes.

Submission:

Women's Health and Genetics/Laboratory Corporation of America, LabCorp
Classification: Uncertain significance. Last evaluated: 2025-03-14. Review status: criteria provided, single submitter. Criteria: LabCorp Variant Classification Summary - May 2015. Collection method: clinical testing. Allele origin: germline.
Comment: Variant summary: ADAMTS2 c.829T>C (p.Ser277Pro) results in a non-conservative amino acid change in the encoded protein sequence. Three of five in-silico tools predict a damaging effect of the variant on protein function. The variant was absent in 251378 control chromosomes. The available data on variant occurrences in the general population are insufficient to allow any conclusion about variant significance. To our knowledge, no occurrence of c.829T>C in individuals affected with Ehlers-Danlos syndrome, dermatosparaxis type and no experimental evidence demonstrating its impact on protein function have been reported. No submitters have cited clinical-significance assessments for this variant to ClinVar. Based on the evidence outlined above, the variant was classified as uncertain significance.